The following is an entry in ClinVar:

ClinVar aggregate classification (germline): Benign. Review status: criteria provided, multiple submitters, no conflicts (2 of 4 stars). 3 submissions from 3 submitters: Benign (2). 1 of the submissions does not count toward it. Last evaluated 2026-02-13.

Conditions:
ZNF341-related disorder. Also called: ZNF341-related condition.

Allele frequency attached by ClinVar (database versions not stated): gnomAD exomes 0.00049 and 0.00095; ExAC 0.00109; gnomAD 0.00321 and 0.00331; TOPMed 0.00329; 1000 Genomes Project 0.00339; ESP Exome Variant Server 0.00361; 1000 Genomes Project 30x 0.00390.
gnomAD v4.1: 920 of 1,046,720 alleles (0.088%); highest among the groups gnomAD compares: African/African-American, 1.3%; 7 homozygotes.

Submissions (3):

Women's Health and Genetics/Laboratory Corporation of America, LabCorp
Classification: Benign. Last evaluated: 2026-02-13. Review status: criteria provided, single submitter. Criteria: LabCorp Variant Classification Summary - May 2015. Collection method: clinical testing. Allele origin: germline.
Comment: Variant summary: ZNF341 c.1601+6T>C alters a nucleotide located close to a canonical splice site and therefore could affect mRNA splicing, leading to a significantly altered protein sequence. Consensus agreement among computation tools predict no significant impact on normal splicing. However, these predictions have yet to be confirmed by functional studies. The variant allele was found at a frequency of 0.00095 in 247848 control chromosomes, predominantly at a frequency of 0.011 within the African or African-American subpopulation in the gnomAD database, including 3 homozygotes. The observed variant frequency within African or African-American control individuals in the gnomAD database exceeds the estimated maximal expected allele frequency for disease-causing variants in ZNF341. To our knowledge, no occurrence of c.1601+6T>C in individuals affected with ZNF341-related conditions and no experimental evidence demonstrating its impact on protein function have been reported. ClinVar contains an entry for this variant (Variation ID: 1167965). Based on the evidence outlined above, the variant was classified as benign.

Labcorp Genetics (formerly Invitae), Labcorp
Classification: Benign. Last evaluated: 2026-02-02. Review status: criteria provided, single submitter. Criteria: Invitae Variant Classification Sherloc (09022015). Collection method: clinical testing. Allele origin: germline.

PreventionGenetics, part of Exact Sciences
Classification: Benign for ZNF341-related condition. Last evaluated: 2019-08-20. Review status: no assertion criteria provided. Collection method: clinical testing. Allele origin: germline. Not counted in ClinVar's aggregate classification.
Comment: This variant is classified as benign based on ACMG/AMP sequence variant interpretation guidelines (Richards et al. 2015 PMID: 25741868, with internal and published modifications).

NM_001282933.2(ZNF341):c.1622+6T>C

Gene: ZNF341 (zinc finger protein 341; plus strand). Cytogenetic location: 20q11.22.
Variant type: single nucleotide variant.
Coding change: c.1622+6T>C on transcript NM_001282933.2 (MANE Select); 6 bases into the intron after coding-DNA position 1622, T replaced by C.
Molecular consequence: intron variant.
Genome position (GRCh38, 1-based): chr20:33,770,298, T>C. VCF-style: chr20-33770298-T-C. GRCh37 (hg19) VCF-style: chr20-32358104-T-C.
Other names: c.1622+6T>C (NM_001282933.1); c.1601+6T>C (NM_032819.5); c.1352+6T>C (NM_001282935.2).
Identifiers: ClinVar variation 1167965 (VCV001167965.12), dbSNP rs115201706, ClinGen allele CA9819491.